The following is an entry in ClinVar:

ClinVar aggregate classification (germline): Uncertain significance. Review status: criteria provided, multiple submitters, no conflicts (2 of 4 stars). 2 submissions from 2 submitters: Uncertain significance (2). Last evaluated 2025-01-27.

Conditions:
Inborn genetic diseases. Identifiers: MedGen C0950123, MeSH D030342.

Allele frequency attached by ClinVar (database versions not stated): gnomAD exomes below 0.00001; gnomAD 0.00002; TOPMed 0.00003.
gnomAD v4.1: 6 of 1,613,886 alleles (0.00037%); highest among the groups gnomAD compares: African/African-American, 0.0053%; no homozygotes.

Submissions (2):

Ambry Genetics
Classification: Uncertain significance for Inborn genetic diseases. Last evaluated: 2025-01-27. Review status: criteria provided, single submitter. Criteria: Ambry Variant Classification Scheme 2023. Collection method: clinical testing. Allele origin: germline.

GeneDx
Classification: Uncertain significance. Last evaluated: 2019-10-15. Review status: criteria provided, single submitter. Criteria: GeneDx Variant Classification Process June 2021. Collection method: clinical testing. Allele origin: germline. Affected: yes.
Comment: Not observed in large population cohorts (Lek et al., 2016); In silico analysis, which includes protein predictors and evolutionary conservation, supports a deleterious effect; Has not been previously published as pathogenic or benign to our knowledge

NM_005245.4(FAT1):c.2311A>G (p.Thr771Ala)

Gene: FAT1 (FAT atypical cadherin 1; minus strand). Cytogenetic location: 4q35.2.
Variant type: single nucleotide variant.
Coding change: c.2311A>G on transcript NM_005245.4 (MANE Select); coding-DNA position 2311, A replaced by G.
Protein change: p.Thr771Ala; replaces threonine 771 with alanine.
Molecular consequence: missense variant.
Genome position (GRCh38, 1-based): chr4:186,707,517, T>C on the plus strand (A>G on the coding strand, the complement: FAT1 is on the minus strand). VCF-style: chr4-186707517-T-C. GRCh37 (hg19) VCF-style: chr4-187628671-T-C.
Other names: short protein forms T771A.
Identifiers: ClinVar variation 1308992 (VCV001308992.3), dbSNP rs1035617263, ClinGen allele CA112181343.